The following is an entry in ClinVar:

ClinVar aggregate classification (germline): Uncertain significance. Review status: reviewed by expert panel (3 of 4 stars). 2 submissions from 2 submitters: Uncertain significance (1). 1 of the submissions does not count toward it. Last evaluated 2025-01-15.

Conditions:
Hereditary thrombocytopenia and hematological cancer predisposition syndrome associated with RUNX1. Also called: Familial Platelet Disorder with Propensity to Acute Myelogenous Leukemia; Familial thrombocytopenia with propensity to acute myelogenous leukemia; PLATELET DISORDER, ASPIRIN-LIKE; RUNX1 Familial Platelet Disorder with Associated Myeloid Malignancies. Identifiers: Orphanet 71290, MedGen C1832388, MeSH C563324, MONDO:0100083, OMIM 601399.
Hereditary thrombocytopenia and hematologic cancer predisposition syndrome. Identifiers: Orphanet 71290, MedGen CN281654, MONDO:0011071.

Submissions (2):

ClinGen Myeloid Malignancy Variant Curation Expert Panel
Classification: Uncertain significance for Hereditary thrombocytopenia and hematologic cancer predisposition syndrome. Last evaluated: 2025-01-15. Review status: reviewed by expert panel. Criteria: ClinGen MyeloMalig ACMG Specifications v2. Collection method: curation. Allele origin: germline. Inheritance: Autosomal dominant inheritance.
Comment: NM_001754.5(RUNX1):c.1075C>T (p.Pro359Ser) is a missense variant which has a REVEL score of 0.423 (< 0.50) and a SpliceAI score of 0.00 (≤ 0.20), allowing for the application of BP4. This variant is completely absent from all population databases with at least 20x coverage for RUNX1 (PM2_supporting). In summary, the clinical significance of this variant is uncertain. ACMG/AMP criteria applied, as specified by the Myeloid Malignancy Variant Curation Expert Panel for RUNX1: BP4, PM2_supporting.

Labcorp Genetics (formerly Invitae), Labcorp
Classification: Uncertain significance for Hereditary thrombocytopenia and hematological cancer predisposition syndrome associated with RUNX1. Last evaluated: 2023-02-06. Review status: criteria provided, single submitter. Criteria: Invitae Variant Classification Sherloc (09022015). Collection method: clinical testing. Allele origin: germline. Not counted in ClinVar's aggregate classification.
Comment: This sequence change replaces proline, which is neutral and non-polar, with serine, which is neutral and polar, at codon 359 of the RUNX1 protein (p.Pro359Ser). This variant is not present in population databases (gnomAD no frequency). This variant has not been reported in the literature in individuals affected with RUNX1-related conditions. Advanced modeling of protein sequence and biophysical properties (such as structural, functional, and spatial information, amino acid conservation, physicochemical variation, residue mobility, and thermodynamic stability) performed at Invitae indicates that this missense variant is not expected to disrupt RUNX1 protein function. In summary, the available evidence is currently insufficient to determine the role of this variant in disease. Therefore, it has been classified as a Variant of Uncertain Significance.

NM_001754.5(RUNX1):c.1075C>T (p.Pro359Ser)

Gene: RUNX1 (RUNX family transcription factor 1; minus strand). Cytogenetic location: 21q22.12.
Variant type: single nucleotide variant.
Coding change: c.1075C>T on transcript NM_001754.5 (MANE Select); coding-DNA position 1075, C replaced by T.
Protein change: p.Pro359Ser; replaces proline 359 with serine.
Molecular consequence: missense variant.
Genome position (GRCh38, 1-based): chr21:34,792,503, G>A on the plus strand (C>T on the coding strand, the complement: RUNX1 is on the minus strand). VCF-style: chr21-34792503-G-A. GRCh37 (hg19) VCF-style: chr21-36164800-G-A.
Other names: NM_001754.5(RUNX1):c.1075C>T; p.Pro359Ser; c.994C>T, p.Pro332Ser (NM_001001890.3); short protein forms P332S, P359S.
Identifiers: ClinVar variation 2834944 (VCV002834944.5), dbSNP rs2145877165, ClinGen allele CA410148214.